The following is an entry in ClinVar:

NM_000041.4(APOE):c.623T>G (p.Val208Gly)

Gene: APOE (apolipoprotein E; plus strand). Cytogenetic location: 19q13.32.
Variant type: single nucleotide variant.
Coding change: c.623T>G on transcript NM_000041.4 (MANE Select); coding-DNA position 623, T replaced by G.
Protein change: p.Val208Gly; replaces valine 208 with glycine.
Molecular consequence: missense variant.
Genome position (GRCh38, 1-based): chr19:44,908,919, T>G. VCF-style: chr19-44908919-T-G. GRCh37 (hg19) VCF-style: chr19-45412176-T-G.
Other names: c.701T>G, p.Val234Gly (NM_001302688.2); c.623T>G, p.Val208Gly (NM_001302689.2, NM_001302690.2, NM_001302691.2); short protein forms V208G, V234G.
Identifiers: ClinVar variation 1752385 (VCV001752385.2), dbSNP rs2513542082, ClinGen allele CA406304420.
Genomic context (GRCh38, chr19:44,908,919, plus strand): 5'-CCGAGCGCGGCCTCAGCGCCATCCGCGAGCGCCTGGGGCCCCTGGTGGAACAGGGCCGCG[T>G]GCGGGCCGCCACTGTGGGCTCCCTGGCCGGCCAGCCGCTACAGGAGCGGGCCCAGGCCTG-3'
Protein context (NP_000032.1, residues 198-218): RLGPLVEQGR[Val208Gly]RAATVGSLAG

ClinVar aggregate classification (germline): Uncertain significance (1 of 4 stars; one submission).

Conditions:
Cardiovascular phenotype. Identifiers: MedGen CN230736.

Submission:

Ambry Genetics
Classification: Uncertain significance for Cardiovascular phenotype. Last evaluated: 2021-11-19. Review status: criteria provided, single submitter. Criteria: Ambry Variant Classification Scheme 2023. Collection method: clinical testing. Allele origin: germline.
Comment: The p.V208G variant (also known as c.623T>G), located in coding exon 3 of the APOE gene, results from a T to G substitution at nucleotide position 623. The valine at codon 208 is replaced by glycine, an amino acid with dissimilar properties. This amino acid position is conserved. In addition, this alteration is predicted to be tolerated by in silico analysis. Since supporting evidence is limited at this time, the clinical significance of this alteration remains unclear.